The following is an entry in ClinVar:

NM_005732.4(RAD50):c.2880_2881delinsTT (p.Ile961Phe)

Gene: RAD50 (RAD50 double strand break repair protein; plus strand). Cytogenetic location: 5q31.1.
Variant type: Indel.
Coding change: c.2880_2881delinsTT on transcript NM_005732.4 (MANE Select); coding-DNA positions 2880 to 2881, CA replaced by TT.
Protein change: p.Ile961Phe; replaces isoleucine 961 with phenylalanine.
Molecular consequence: missense variant.
Genome position (GRCh38, 1-based): chr5:132,609,167-132,609,168, CA replaced by TT. VCF-style: chr5-132609167-CA-TT. GRCh37 (hg19) VCF-style: chr5-131944859-CA-TT.
Other names: short protein forms I961F.
Identifiers: ClinVar variation 2013861 (VCV002013861.4), dbSNP rs2479371087, ClinGen allele CA2580072703.

ClinVar aggregate classification (germline): Uncertain significance (1 of 4 stars; one submission).

Conditions:
Hereditary cancer-predisposing syndrome. Also called: Hereditary Cancer Syndrome; Neoplastic Syndromes, Hereditary; Hereditary neoplastic syndrome; Tumor predisposition. Identifiers: Orphanet 140162, MedGen C0027672, MeSH D009386, MONDO:0015356.

Submission:

Labcorp Genetics (formerly Invitae), Labcorp
Classification: Uncertain significance for Hereditary cancer-predisposing syndrome. Last evaluated: 2022-07-03. Review status: criteria provided, single submitter. Criteria: Invitae Variant Classification Sherloc (09022015). Collection method: clinical testing. Allele origin: germline.
Comment: In summary, the available evidence is currently insufficient to determine the role of this variant in disease. Therefore, it has been classified as a Variant of Uncertain Significance. Experimental studies and prediction algorithms are not available or were not evaluated, and the functional significance of this variant is currently unknown. This variant has not been reported in the literature in individuals affected with RAD50-related conditions. Information on the frequency of this variant in the gnomAD database is not available, as this variant may be reported differently in the database. This sequence change replaces isoleucine, which is neutral and non-polar, with phenylalanine, which is neutral and non-polar, at codon 961 of the RAD50 protein (p.Ile961Phe).